The following is an entry in ClinVar:

ClinVar aggregate classification (germline): Conflicting classifications of pathogenicity. Review status: criteria provided, conflicting classifications (1 of 4 stars). 3 submissions from 3 submitters: Pathogenic (1); Likely pathogenic (1); Uncertain significance (1). Last evaluated 2023-06-13.

Conditions:
ACADM-related disorder. Also called: ACADM-related condition.
Medium-chain acyl-coenzyme A dehydrogenase deficiency (ACADMD). Also called: MCADD; Medium chain acyl-CoA dehydrogenase deficiency; MCAD Deficiency; ACADM DEFICIENCY; MCADH DEFICIENCY; CARNITINE DEFICIENCY SECONDARY TO MEDIUM-CHAIN ACYL-CoA DEHYDROGENASE DEFICIENCY. Identifiers: Orphanet 42, MedGen C0220710, MONDO:0008721, OMIM 201450.

Allele frequency attached by ClinVar (database versions not stated): TOPMed below 0.00001; gnomAD 0.00001.
gnomAD v4.1: 1 of 1,613,610 alleles (0.000062%); highest among the groups gnomAD compares: Non-Finnish European, 0.000085%; no homozygotes.

Submissions (3):

PreventionGenetics, part of Exact Sciences
Classification: Uncertain significance for ACADM-related condition. Last evaluated: 2023-06-13. Review status: criteria provided, single submitter. Criteria: ACMG Guidelines, 2015. Collection method: clinical testing. Allele origin: germline.
Comment: The ACADM c.717C>G variant is predicted to result in the amino acid substitution p.Asn239Lys. This variant was previously reported in a large cohort of individuals who tested positive for medium-chain acyl-CoA dehydrogenase deficiency via newborn screening (Janzen et al. 2017. PubMed ID: 29268767). This variant has not been reported in a large population database, indicating this variant is rare. At this time, the clinical significance of this variant is uncertain due to the absence of conclusive functional and genetic evidence.

Baylor Genetics
Classification: Pathogenic for Medium-chain acyl-coenzyme A dehydrogenase deficiency. Last evaluated: 2023-04-17. Review status: criteria provided, single submitter. Criteria: ACMG Guidelines, 2015. Collection method: clinical testing. Allele origin: unknown.

Labcorp Genetics (formerly Invitae), Labcorp
Classification: Likely pathogenic for Medium-chain acyl-coenzyme A dehydrogenase deficiency. Last evaluated: 2018-05-10. Review status: criteria provided, single submitter. Criteria: Invitae Variant Classification Sherloc (09022015). Collection method: clinical testing. Allele origin: germline.
Comment: In summary, the currently available evidence indicates that the variant is pathogenic, but additional data are needed to prove that conclusively. Therefore, this variant has been classified as Likely Pathogenic. Experimental studies have shown that this missense change results in an MCAD protein with 10% wild-type enzyme activity (PMID: 24966162). This finding is consistent with autosomal recessive inheritance, and suggests that this variant contributes to disease. This variant has also been observed in combination with another ACADM variant in an individual affected with medium-chain acyl-coenzyme A dehydrogenase deficiency (PMID: 24966162). This variant is also known as c.1137T>A, p.Asn354Lys in the literature. This variant is not present in population databases (ExAC no frequency). This sequence change replaces asparagine with lysine at codon 239 of the ACADM protein (p.Asn239Lys). The asparagine residue is highly conserved and there is a moderate physicochemical difference between asparagine and lysine.

Literature cited by the submitters: PubMed 24966162 (cited by Labcorp Genetics (formerly Invitae), Labcorp).

NM_000016.6(ACADM):c.717C>G (p.Asn239Lys)

Gene: ACADM (acyl-CoA dehydrogenase medium chain; plus strand). Cytogenetic location: 1p31.1.
Variant type: single nucleotide variant.
Coding change: c.717C>G on transcript NM_000016.6 (MANE Select); coding-DNA position 717, C replaced by G.
Protein change: p.Asn239Lys; replaces asparagine 239 with lysine.
Molecular consequence: missense variant.
Genome position (GRCh38, 1-based): chr1:75,749,427, C>G. VCF-style: chr1-75749427-C-G. GRCh37 (hg19) VCF-style: chr1-76215112-C-G.
Other names: c.729C>G, p.Asn243Lys (NM_001127328.3); c.609C>G, p.Asn203Lys (NM_001286042.2); c.816C>G, p.Asn272Lys (NM_001286043.2); c.150C>G, p.Asn50Lys (NM_001286044.2); short protein forms N239K, N203K, N272K, N50K, N243K.
Identifiers: ClinVar variation 570397 (VCV000570397.9), dbSNP rs1348176225, ClinGen allele CA340816522.